The following is an entry in ClinVar:

ClinVar aggregate classification (germline): Benign (1 of 4 stars; one submission).

Allele frequency attached by ClinVar (database versions not stated): gnomAD 0.03223 and 0.03344; TOPMed 0.03921; 1000 Genomes Project 30x 0.06387; 1000 Genomes Project 0.06669.
gnomAD v4.1: 5,069 of 152,342 alleles (3.3%); highest among the groups gnomAD compares: East Asian, 17%; 226 homozygotes.

Submission:

GeneDx
Classification: Benign. Last evaluated: 2018-06-16. Review status: criteria provided, single submitter. Criteria: GeneDx Variant Classification (06012015). Collection method: clinical testing. Allele origin: germline. Affected: yes.
Comment: This variant is considered likely benign or benign based on one or more of the following criteria: it is a conservative change, it occurs at a poorly conserved position in the protein, it is predicted to be benign by multiple in silico algorithms, and/or has population frequency not consistent with disease.

NM_016203.4(PRKAG2):c.947-226T>C

Gene: PRKAG2 (protein kinase AMP-activated non-catalytic subunit gamma 2; minus strand). Cytogenetic location: 7q36.1.
Variant type: single nucleotide variant.
Coding change: c.947-226T>C on transcript NM_016203.4 (MANE Select); 226 bases into the intron before coding-DNA position 947, T replaced by C.
Molecular consequence: intron variant.
Genome position (GRCh38, 1-based): chr7:151,575,175, A>G on the plus strand (T>C on the coding strand, the complement: PRKAG2 is on the minus strand). VCF-style: chr7-151575175-A-G. GRCh37 (hg19) VCF-style: chr7-151272261-A-G.
Other names: c.815-226T>C (NM_001040633.2); c.572-226T>C (NM_001304527.2); c.575-226T>C (NM_001363698.2); c.224-226T>C (NM_001304531.2, NM_024429.2).
Identifiers: ClinVar variation 672492 (VCV000672492.1), dbSNP rs2302528, ClinGen allele CA16319638.